The following is an entry in ClinVar:

NM_002907.4(RECQL):c.35A>T (p.Asp12Val)

Gene: RECQL (RecQ like helicase; minus strand). Cytogenetic location: 12p12.1.
Variant type: single nucleotide variant.
Coding change: c.35A>T on transcript NM_002907.4 (MANE Select); coding-DNA position 35, A replaced by T.
Protein change: p.Asp12Val; replaces aspartic acid 12 with valine.
Molecular consequence: missense variant.
Genome position (GRCh38, 1-based): chr12:21,491,698, T>A on the plus strand (A>T on the coding strand, the complement: RECQL is on the minus strand). VCF-style: chr12-21491698-T-A. GRCh37 (hg19) VCF-style: chr12-21644632-T-A.
Other names: c.35A>T, p.Asp12Val (NM_032941.3); short protein forms D12V.
Identifiers: ClinVar variation 1733064 (VCV001733064.3), dbSNP rs1237849728, ClinGen allele CA384134710.
Genomic context (GRCh38, chr12:21,491,698, plus strand): 5'-TGCCTTTCCGTAAGTTCTTGAATTTGAATTTCTACTGCATGTAGCTCACTGGTTATAGAA[T>A]CCAGTTCCTCAGTTAGAGCTATGGGAGGCAGCGCGGATACAATGATTAGACAGAGTAAAT-3'
Protein context (NP_002898.2, residues 2-22): ASVSALTEEL[Asp12Val]SITSELHAVE

ClinVar aggregate classification (germline): Uncertain significance (1 of 4 stars; one submission).

Submission:

Ambry Genetics
Classification: Uncertain significance. Last evaluated: 2025-05-02. Review status: criteria provided, single submitter. Criteria: Ambry Variant Classification Scheme 2023. Collection method: clinical testing. Allele origin: germline.
Comment: The p.D12V variant (also known as c.35A>T), located in coding exon 2 of the RECQL gene, results from an A to T substitution at nucleotide position 35. The aspartic acid at codon 12 is replaced by valine, an amino acid with highly dissimilar properties. This amino acid position is conserved. In addition, the in silico prediction for this alteration is inconclusive. Since supporting evidence is limited at this time, the clinical significance of this alteration remains unclear.